The following is an entry in ClinVar:

ClinVar aggregate classification (germline): Uncertain significance (1 of 4 stars; one submission).

Allele frequency attached by ClinVar (database versions not stated): gnomAD exomes below 0.00001; TOPMed 0.00002; ExAC 0.00003; gnomAD 0.00003.

Submission:

Women's Health and Genetics/Laboratory Corporation of America, LabCorp
Classification: Uncertain significance. Last evaluated: 2023-12-14. Review status: criteria provided, single submitter. Criteria: LabCorp Variant Classification Summary - May 2015. Collection method: clinical testing. Allele origin: germline.
Comment: Variant summary: HEXB c.1613+5_1613+10delGAAATC alters a nucleotide located close to a canonical splice site and therefore could affect mRNA splicing, leading to a significantly altered protein sequence. Several computational tools predict a significant impact on normal splicing: Four predict the variant abolishes a 5' splicing donor site. However, these predictions have yet to be confirmed by functional studies. The variant allele was found at a frequency of 8e-06 in 251030 control chromosomes. The available data on variant occurrences in the general population are insufficient to allow any conclusion about variant significance. To our knowledge, no occurrence of c.1613+5_1613+10delGAAATC in individuals affected with Sandhoff Disease and no experimental evidence demonstrating its impact on protein function have been reported. No submitters have cited clinical-significance assessments for this variant to ClinVar after 2014. Based on the evidence outlined above, the variant was classified as uncertain significance.

NM_000521.4(HEXB):c.1613+5_1613+10del

Gene: HEXB (hexosaminidase subunit beta; plus strand). Cytogenetic location: 5q13.3.
Variant type: Deletion.
Coding change: c.1613+5_1613+10del on transcript NM_000521.4 (MANE Select); bases 5 to 10 of the intron after coding-DNA position 1613, 6 bases deleted (GAAATC; older notation c.1613+5_1613+10delGAAATC).
Molecular consequence: intron variant.
Genome position (GRCh38, 1-based): chr5:74,720,752-74,720,757, GAAATC deleted. VCF-style (leftmost placement, unchanged base first): chr5-74720751-AGAAATC-A. GRCh37 (hg19) VCF-style: chr5-74016576-AGAAATC-A.
Other names: c.938+5_938+10del (NM_001292004.2); c.1613+5_1613+10delGAAATC (NM_000521.4).
Identifiers: ClinVar variation 2691688 (VCV002691688.1), dbSNP rs773370155, ClinGen allele CA3306215.